The following is an entry in ClinVar:

ClinVar aggregate classification (germline): Uncertain significance (1 of 4 stars; one submission).

Conditions:
Hereditary spastic paraplegia 11. Also called: Nakamura Osame syndrome; Autosomal recessive hereditary spastic paraplegia, mental impairment, and thin corpus callosum; Spastic paraplegia, mental retardation and thin corpus callosum; SPASTIC PARAPLEGIA, AUTOSOMAL RECESSIVE, COMPLICATED, WITH THIN CORPUS CALLOSUM; SPASTIC PARAPLEGIA, AUTOSOMAL RECESSIVE, WITH MENTAL IMPAIRMENT AND THIN CORPUS CALLOSUM; Spastic Paraplegia 11. Identifiers: Orphanet 2822, MedGen C1858479, MONDO:0011445, OMIM 604360.

Submission:

Labcorp Genetics (formerly Invitae), Labcorp
Classification: Uncertain significance for Hereditary spastic paraplegia 11. Last evaluated: 2023-08-17. Review status: criteria provided, single submitter. Criteria: Invitae Variant Classification Sherloc (09022015). Collection method: clinical testing. Allele origin: germline.
Comment: This sequence change replaces tryptophan, which is neutral and slightly polar, with cysteine, which is neutral and slightly polar, at codon 917 of the SPG11 protein (p.Trp917Cys). This variant is not present in population databases (gnomAD no frequency). This missense change has been observed in individual(s) with sporadic amyotrophic lateral sclerosis (PMID: 26742954). ClinVar contains an entry for this variant (Variation ID: 958242). Advanced modeling of protein sequence and biophysical properties (such as structural, functional, and spatial information, amino acid conservation, physicochemical variation, residue mobility, and thermodynamic stability) performed at Invitae indicates that this missense variant is not expected to disrupt SPG11 protein function. In summary, the available evidence is currently insufficient to determine the role of this variant in disease. Therefore, it has been classified as a Variant of Uncertain Significance.

Literature cited by the submitters: PubMed 26742954.

NM_025137.4(SPG11):c.2751G>T (p.Trp917Cys)

Gene: SPG11 (SPG11 vesicle trafficking associated, spatacsin; minus strand). Cytogenetic location: 15q21.1.
Variant type: single nucleotide variant.
Coding change: c.2751G>T on transcript NM_025137.4 (MANE Select); coding-DNA position 2751, G replaced by T.
Protein change: p.Trp917Cys; replaces tryptophan 917 with cysteine.
Molecular consequence: missense variant.
Genome position (GRCh38, 1-based): chr15:44,620,273, C>A on the plus strand (G>T on the coding strand, the complement: SPG11 is on the minus strand). VCF-style: chr15-44620273-C-A. GRCh37 (hg19) VCF-style: chr15-44912471-C-A.
Other names: c.2751G>T, p.Trp917Cys (NM_001160227.2); short protein forms W917C.
Identifiers: ClinVar variation 958242 (VCV000958242.7), dbSNP rs2083705120, ClinGen allele CA392230697.